The following is an entry in ClinVar:

NM_001370100.5(ZMYND11):c.688T>A (p.Phe230Ile)

Gene: ZMYND11 (zinc finger MYND-type containing 11; plus strand). Cytogenetic location: 10p15.3.
Variant type: single nucleotide variant.
Coding change: c.688T>A on transcript NM_001370100.5 (MANE Select); coding-DNA position 688, T replaced by A.
Protein change: p.Phe230Ile; replaces phenylalanine 230 with isoleucine.
Molecular consequence: missense variant. On other transcripts: non-coding transcript variant (1), intron variant (2).
Genome position (GRCh38, 1-based): chr10:239,516, T>A. VCF-style: chr10-239516-T-A. GRCh37 (hg19) VCF-style: chr10-285456-T-A.
Other names: c.526T>A, p.Phe176Ile (NM_001370107.2, NM_001370108.2, NM_001370109.2 and 8 more transcripts); c.433T>A, p.Phe145Ile (NM_001370110.2, NM_001202465.3); c.637T>A, p.Phe213Ile (NM_001370112.2, NM_001330057.3); c.595T>A, p.Phe199Ile (NM_001370113.2, NM_001370114.2); c.688T>A, p.Phe230Ile (NM_001370115.2, NM_001202468.1, NM_001370097.3 and 8 more transcripts); c.622T>A, p.Phe208Ile (NM_001370116.2); c.568T>A, p.Phe190Ile (NM_001370118.2); c.460T>A, p.Phe154Ile (NM_001370120.2); and 4 more; short protein forms F145I, F154I, F176I, F208I, F230I, F136I, F199I, F213I.
Identifiers: ClinVar variation 4206257 (VCV004206257.2).

ClinVar aggregate classification (germline): Uncertain significance (1 of 4 stars; one submission).

Conditions:
Inborn genetic diseases. Identifiers: MedGen C0950123, MeSH D030342.

Submission:

Ambry Genetics
Classification: Uncertain significance for Inborn genetic diseases. Last evaluated: 2025-10-02. Review status: criteria provided, single submitter. Criteria: Ambry Variant Classification Scheme 2023. Collection method: clinical testing. Allele origin: germline.
Comment: The c.688T>A (p.F230I) alteration is located in exon 7 (coding exon 6) of the ZMYND11 gene. This alteration results from a T to A substitution at nucleotide position 688, causing the phenylalanine (F) at amino acid position 230 to be replaced by an isoleucine (I). This variant was not reported in population-based cohorts in the Genome Aggregation Database (gnomAD). This amino acid position is well conserved in available vertebrate species. This missense alteration is located in a region that has a low rate of benign missense variation (Lek, 2016; Firth, 2009). The in silico prediction for this alteration is inconclusive. Based on insufficient or conflicting evidence, the clinical significance of this alteration remains unclear.